The following is an entry in ClinVar:

ClinVar aggregate classification (germline): Conflicting classifications of pathogenicity. Review status: criteria provided, conflicting classifications (1 of 4 stars). 2 submissions from 2 submitters: Uncertain significance (1); Likely benign (1). Last evaluated 2024-11-01.

Conditions:
GJA8-related disorder. Also called: GJA8-related condition.
Inborn genetic diseases. Identifiers: MedGen C0950123, MeSH D030342.

Allele frequency attached by ClinVar (database versions not stated): gnomAD exomes 0.00002; TOPMed 0.00002.

Submissions (2):

PreventionGenetics, part of Exact Sciences
Classification: Uncertain significance for GJA8-related condition. Last evaluated: 2024-11-01. Review status: criteria provided, single submitter. Criteria: ACMG Guidelines, 2015. Collection method: clinical testing. Allele origin: germline.
Comment: The GJA8 c.1004G>A variant is predicted to result in the amino acid substitution p.Gly335Glu. To our knowledge, this variant has not been reported in the literature. This variant is reported in 0.00094% of alleles in individuals of European (Non-Finnish) descent in gnomAD. At this time, the clinical significance of this variant is uncertain due to the absence of conclusive functional and genetic evidence.

Ambry Genetics
Classification: Likely benign for Inborn genetic diseases. Last evaluated: 2023-03-24. Review status: criteria provided, single submitter. Criteria: Ambry Variant Classification Scheme 2023. Collection method: clinical testing. Allele origin: germline.

NM_005267.5(GJA8):c.1004G>A (p.Gly335Glu)

Gene: GJA8 (gap junction protein alpha 8; plus strand). Cytogenetic location: 1q21.2.
Variant type: single nucleotide variant.
Coding change: c.1004G>A on transcript NM_005267.5 (MANE Select); coding-DNA position 1004, G replaced by A.
Protein change: p.Gly335Glu; replaces glycine 335 with glutamic acid.
Molecular consequence: missense variant.
Genome position (GRCh38, 1-based): chr1:147,908,959, G>A. VCF-style: chr1-147908959-G-A. GRCh37 (hg19) VCF-style: chr1-147381086-G-A.
Other names: short protein forms G335E.
Identifiers: ClinVar variation 2529426 (VCV002529426.3), dbSNP rs940559513, ClinGen allele CA29941579.